The following is an entry in ClinVar:

ClinVar aggregate classification (germline): Uncertain significance (1 of 4 stars; one submission).

Conditions:
PPARG-related disorder. Also called: PPARG-related condition; PPARG-related disorders.

gnomAD v4.1: 15 of 1,613,986 alleles (0.00093%); highest among the groups gnomAD compares: Non-Finnish European, 0.0013%; no homozygotes.

Submission:

PreventionGenetics, part of Exact Sciences
Classification: Uncertain significance for PPARG-related condition. Last evaluated: 2025-08-20. Review status: criteria provided, single submitter. Criteria: ACMG Guidelines, 2015. Collection method: clinical testing. Allele origin: germline.
Comment: The PPARG c.160G>C variant is predicted to result in the amino acid substitution p.Glu54Gln. This variant has been reported in an individual with suspected monogenic diabetes (Majithia et al. 2016. PubMed ID: 27749844). This variant has not been reported in a large population database (gnomAD), indicating this variant is rare. At this time, the clinical significance of this variant is uncertain due to the absence of conclusive functional and genetic evidence.

NM_138711.6(PPARG):c.70G>C (p.Glu24Gln)

Gene: PPARG (peroxisome proliferator activated receptor gamma; plus strand). Cytogenetic location: 3p25.2.
Variant type: single nucleotide variant.
Coding change: c.70G>C on transcript NM_138711.6 (MANE Select); coding-DNA position 70, G replaced by C.
Protein change: p.Glu24Gln; replaces glutamic acid 24 with glutamine.
Molecular consequence: missense variant. On other transcripts: 5 prime UTR variant (1).
Genome position (GRCh38, 1-based): chr3:12,379,781, G>C. VCF-style: chr3-12379781-G-C. GRCh37 (hg19) VCF-style: chr3-12421280-G-C.
Other names: c.70G>C, p.Glu24Gln (NM_001330615.4, NM_001354666.3, NM_001354667.3 and 6 more transcripts); c.160G>C, p.Glu54Gln (NM_001354668.2, NM_001374265.1, NM_015869.5); c.-358G>C (NM_001354669.2); c.76G>C, p.Glu26Gln (NM_001354670.2, NM_001374266.1); short protein forms E26Q, E54Q, E24Q.
Identifiers: ClinVar variation 4992754 (VCV004992754.1).
Genomic context (GRCh38, chr3:12,379,781, plus strand): 5'-ACAGAGATGCCATTCTGGCCCACCAACTTTGGGATCAGCTCCGTGGATCTCTCCGTAATG[G>C]AAGACCACTCCCACTCCTTTGATATCAAGCCCTTCACTACTGTTGACTTCTCCAGCATTT-3'
Protein context (NP_619725.3, residues 14-34): GISSVDLSVM[Glu24Gln]DHSHSFDIKP